The following is an entry in ClinVar:

ClinVar aggregate classification (germline): Uncertain significance (1 of 4 stars; one submission).

Allele frequency attached by ClinVar (database versions not stated): gnomAD 0.00006; TOPMed 0.00006; ExAC 0.00012.

Submission:

Labcorp Genetics (formerly Invitae), Labcorp
Classification: Uncertain significance. Last evaluated: 2022-07-11. Review status: criteria provided, single submitter. Criteria: Invitae Variant Classification Sherloc (09022015). Collection method: clinical testing. Allele origin: germline.
Comment: This sequence change replaces alanine, which is neutral and non-polar, with valine, which is neutral and non-polar, at codon 39 of the GFER protein (p.Ala39Val). This variant is present in population databases (rs753639816, gnomAD 0.01%). This variant has not been reported in the literature in individuals affected with GFER-related conditions. Algorithms developed to predict the effect of missense changes on protein structure and function are either unavailable or do not agree on the potential impact of this missense change (SIFT: "Deleterious"; PolyPhen-2: "Benign"; Align-GVGD: "Class C0"). In summary, the available evidence is currently insufficient to determine the role of this variant in disease. Therefore, it has been classified as a Variant of Uncertain Significance.

NM_005262.3(GFER):c.116C>T (p.Ala39Val)

Genes: GFER (growth factor, augmenter of liver regeneration; plus strand), LOC130058203 (ATAC-STARR-seq lymphoblastoid silent region 7014; plus strand). Cytogenetic location: 16p13.3.
Variant type: single nucleotide variant.
Coding change: c.116C>T on transcript NM_005262.3 (MANE Select); coding-DNA position 116, C replaced by T.
Protein change: p.Ala39Val; replaces alanine 39 with valine.
Molecular consequence: missense variant.
Genome position (GRCh38, 1-based): chr16:1,984,334, C>T. VCF-style: chr16-1984334-C-T. GRCh37 (hg19) VCF-style: chr16-2034335-C-T.
Other names: short protein forms A39V.
Identifiers: ClinVar variation 2048302 (VCV002048302.1), dbSNP rs753639816, ClinGen allele CA7825968.